The following is an entry in ClinVar:

ClinVar aggregate classification (germline): Pathogenic/Likely pathogenic. Review status: criteria provided, multiple submitters, no conflicts (2 of 4 stars). 5 submissions from 5 submitters: Pathogenic (3); Likely pathogenic (1). 1 of the submissions does not count toward it. Last evaluated 2024-04-26.

Conditions:
Hypogonadotropic hypogonadism 7 with or without anosmia (HH7). Also called: HYPOGONADOTROPIC HYPOGONADISM 7 WITHOUT ANOSMIA; GNRHR-Related GnRH Deficiency. Identifiers: Orphanet 432, MedGen C0342384, MONDO:0007794, OMIM 146110.

Allele frequency attached by ClinVar (database versions not stated): gnomAD exomes 0.00002 and 0.00004; ExAC 0.00003; TOPMed 0.00001; gnomAD 0.00001.
gnomAD v4.1: 10 of 1,614,064 alleles (0.00062%); highest among the groups gnomAD compares: Admixed American, 0.017%; no homozygotes.

Submissions (5):

Fulgent Genetics
Classification: Pathogenic for Hypogonadotropic hypogonadism 7 with or without anosmia. Last evaluated: 2024-04-26. Review status: criteria provided, single submitter. Criteria: ACMG Guidelines, 2015. Collection method: clinical testing. Allele origin: germline.

Women's Health and Genetics/Laboratory Corporation of America, LabCorp
Classification: Pathogenic for Hypogonadotropic hypogonadism 7 with or without anosmia. Last evaluated: 2024-04-19. Review status: criteria provided, single submitter. Criteria: LabCorp Variant Classification Summary - May 2015. Collection method: clinical testing. Allele origin: germline.
Comment: Variant summary: GNRHR c.268G>A (p.Glu90Lys) results in a conservative amino acid change located in the GPCR, rhodopsin-like, 7TM domain (IPR017452) of the encoded protein sequence. Three of five in-silico tools predict a benign effect of the variant on protein function. The variant allele was found at a frequency of 3.6e-05 in 251334 control chromosomes. c.268G>A has been reported in the literature in individuals affected with isolated hypogonadotrophic hypogonadism in the homozygous state and segregated with disease in at least one family (e.g. Soderlund_2001). These data indicate that the variant is likely to be associated with disease. At least one publication reports experimental evidence that c.268G>A causes absent GnRH agonist binding and agonist-stimulated phosphoinositide turnover (Maya-Nunez_2002). At least one publication reports that mice with Gnrhr p.Glu90Lys have a similar phenotype to humans with hypogonadoropic hypogonadism (Stewart_2012). The following publications have been ascertained in the context of this evaluation (PMID: 11994356, 11318785, 22918878). ClinVar contains an entry for this variant (Variation ID: 16032). Based on the evidence outlined above, the variant was classified as pathogenic.

Labcorp Genetics (formerly Invitae), Labcorp
Classification: Pathogenic. Last evaluated: 2022-03-19. Review status: criteria provided, single submitter. Criteria: Invitae Variant Classification Sherloc (09022015). Collection method: clinical testing. Allele origin: germline.
Comment: For these reasons, this variant has been classified as Pathogenic. Experimental studies have shown that this missense change affects GNRHR function (PMID: 11994356, 12107234, 22918878). Algorithms developed to predict the effect of missense changes on protein structure and function are either unavailable or do not agree on the potential impact of this missense change (SIFT: "Tolerated"; PolyPhen-2: "Probably Damaging"; Align-GVGD: "Class C0"). ClinVar contains an entry for this variant (Variation ID: 16032). This missense change has been observed in individual(s) with GNRHR-related conditions (PMID: 11318785; Invitae). In at least one individual the data is consistent with being in trans (on the opposite chromosome) from a pathogenic variant. It has also been observed to segregate with disease in related individuals. This variant is present in population databases (rs104893844, gnomAD 0.03%). This sequence change replaces glutamic acid, which is acidic and polar, with lysine, which is basic and polar, at codon 90 of the GNRHR protein (p.Glu90Lys).

GeneDx
Classification: Likely pathogenic. Last evaluated: 2019-02-01. Review status: criteria provided, single submitter. Criteria: GeneDx Variant Classification Process June 2021. Collection method: clinical testing. Allele origin: germline. Affected: yes.
Comment: Published functional studies demonstrate a damaging effect, specifically, in-vitro studies show protein surface expression, ligand-binding, and signal transduction are abolished (Maya-Nunez et al., 2002); This variant is associated with the following publications: (PMID: 12364481, 12107234, 14993385, 25531638, 11318785, 21633718, 14709805, 21527534, 19273112, 25857579, 21050923, 15886197, 22595961, 24324164, 24685158, 11994356, 22918878, 29744037, 24725593)

OMIM
Classification: Pathogenic for HYPOGONADOTROPIC HYPOGONADISM 7 WITHOUT ANOSMIA. Last evaluated: 2002-05-01. Review status: no assertion criteria provided. Collection method: literature only. Allele origin: germline. Not counted in ClinVar's aggregate classification.

Literature cited by the submitters: PubMed 11994356 (cited by 3 submitters); PubMed 11318785 (cited by 3 submitters); PubMed 22918878 (cited by Women's Health and Genetics/Laboratory Corporation of America, LabCorp and Labcorp Genetics (formerly Invitae), Labcorp); PubMed 12107234 (cited by Labcorp Genetics (formerly Invitae), Labcorp).

NM_000406.3(GNRHR):c.268G>A (p.Glu90Lys)

Gene: GNRHR (gonadotropin releasing hormone receptor; minus strand). Cytogenetic location: 4q13.2.
Variant type: single nucleotide variant.
Coding change: c.268G>A on transcript NM_000406.3 (MANE Select); coding-DNA position 268, G replaced by A.
Protein change: p.Glu90Lys; replaces glutamic acid 90 with lysine.
Molecular consequence: missense variant.
Genome position (GRCh38, 1-based): chr4:67,754,068, C>T on the plus strand (G>A on the coding strand, the complement: GNRHR is on the minus strand). VCF-style: chr4-67754068-C-T. GRCh37 (hg19) VCF-style: chr4-68619786-C-T.
Other names: c.268G>A, p.Glu90Lys (NM_001012763.2); short protein forms E90K.
Identifiers: ClinVar variation 16032 (VCV000016032.12), dbSNP rs104893844, ClinGen allele CA130209.